The following is an entry in ClinVar:

ClinVar aggregate classification (germline): Uncertain significance. Review status: criteria provided, single submitter (1 of 4 stars). 2 submissions from 2 submitters: Uncertain significance (1). 1 of the submissions does not count toward it. Last evaluated 2023-05-23.

Submissions (2):

Quest Diagnostics Nichols Institute San Juan Capistrano
Classification: Uncertain significance. Last evaluated: 2023-05-23. Review status: criteria provided, single submitter. Criteria: Quest Diagnostics criteria. Collection method: clinical testing. Allele origin: unknown.
Comment: To the best of our knowledge, this variant has not been reported in the published literature. It also has not been reported in large, multi-ethnic general populations (Genome Aggregation Database). Analysis of this variant using bioinformatics tools for the prediction of the effect of amino acid changes on protein structure and function yielded predictions that this variant is benign. Based on the available information, we are unable to determine the clinical significance of this variant.

Gharavi Laboratory, Columbia University
Classification: Uncertain significance. Last evaluated: 2018-09-16. Review status: no assertion criteria provided. Criteria: ACMG Guidelines, 2015. Collection method: research. Allele origin: germline. Affected: yes. Not counted in ClinVar's aggregate classification.

NM_000135.4(FANCA):c.3767T>C (p.Leu1256Pro)

Genes: FANCA (FA complementation group A; minus strand), ZNF276 (zinc finger protein 276; plus strand). Cytogenetic location: 16q24.3.
Variant type: single nucleotide variant.
Coding change: c.3767T>C on transcript NM_000135.4 (MANE Select); coding-DNA position 3767, T replaced by C.
Protein change: p.Leu1256Pro; replaces leucine 1256 with proline.
Molecular consequence: missense variant. On other transcripts: 3 prime UTR variant (2), non-coding transcript variant (4).
Genome position (GRCh38, 1-based): chr16:89,740,865, A>G on the plus strand (T>C on the coding strand, the complement: FANCA is on the minus strand). VCF-style: chr16-89740865-A-G. GRCh37 (hg19) VCF-style: chr16-89807273-A-G.
Other names: c.3767T>C, p.Leu1256Pro (NM_001286167.3); c.*2619A>G (NM_001113525.2, NM_152287.4); short protein forms L1256P.
Identifiers: ClinVar variation 591701 (VCV000591701.2), dbSNP rs1567596255, ClinGen allele CA397485256.